The following is an entry in ClinVar:

NM_001369369.1(FOXN1):c.933_936dup (p.Asp313fs)

Gene: FOXN1 (forkhead box N1; plus strand). Cytogenetic location: 17q11.2.
Variant type: Duplication.
Coding change: c.933_936dup on transcript NM_001369369.1 (MANE Select); coding-DNA positions 933 to 936, 4 bases duplicated (ACCC; older notation c.933_936dupACCC).
Protein change: p.Asp313fs; shifts the reading frame from aspartic acid 313.
Molecular consequence: frameshift variant.
Genome position (GRCh38, 1-based): chr17:28,534,336-28,534,339, ACCC duplicated; duplicating any 4 consecutive bases within chr17:28,534,335-28,534,339 gives the same sequence; the c. name uses the placement nearest the transcript's 3' end. VCF-style (leftmost placement, unchanged base first): chr17-28534334-G-GCACC. GRCh37 (hg19) VCF-style: chr17-26861352-G-GCACC.
Other names: NM_001369369.1(FOXN1):c.933_936dup; c.933_936dup, p.Asp313fs (NM_003593.3); c.933_936dupACCC (NM_003593.2); short protein forms D313fs.
Identifiers: ClinVar variation 827574 (VCV000827574.10), dbSNP rs1597566356, ClinGen allele CA915949637.
Genomic context (GRCh38, chr17:28,534,334, plus strand): 5'-AGCCCGCTCTGGCTTCCTGAGCCTGGCCTGAATGCTTGTCTTGCTCTGTTCCGGCAGACA[G>GCACC]CACCCGATGGCTGGAAGAATTCTGTCCGGCACAACCTATCCCTCAACAAGTGCTTCGAGA-3'

ClinVar aggregate classification (germline): Pathogenic. Review status: reviewed by expert panel (3 of 4 stars). 4 submissions from 4 submitters: Pathogenic (1). 3 of the submissions do not count toward it. Last evaluated 2024-07-29.

Conditions:
T-lymphocyte deficiency. Also called: Immune defect due to absence of thymus; Thymic aplasia; Nezelof syndrome. Identifiers: Orphanet 83471, MedGen C0152094, MONDO:0009451, OMIM 242700.
T-cell immunodeficiency, congenital alopecia, and nail dystrophy. Also called: Congenital alopecia and nail dystrophy associated with severe functional T-cell immunodeficiency; Pignata Guarino syndrome. Identifiers: Orphanet 169095, MedGen C1866426, MONDO:0011132, OMIM 601705.

Submissions (4):

ClinGen Severe Combined Immunodeficiency Variant Curation Expert Panel, ClinGen
Classification: Pathogenic for T-cell immunodeficiency, congenital alopecia, and nail dystrophy. Last evaluated: 2024-07-29. Review status: reviewed by expert panel. Criteria: ClinGen SCID ACMG Specifications FOXN1 V1.0.0. Collection method: curation. Allele origin: germline. Inheritance: Semidominant inheritance.
Comment: The NM_001369369.1(FOXN1):c.933_936dup (p.Asp313ThrfsTer?) frameshift variant in exon 7, of 9, results in a premature stop codon in exon 8, which is predicted to cause NMD (PVS1). The variant was detected by exome sequencing with Sanger confirmation in one patient (Pt 1) who is compound heterozygous with c.1089_1103del (PMID: 31566583). The patient has normal hair and nails but T-B+NK+ SCID. In summary this variant meets criteria to be classified as pathogenic for semidominant T-cell immunodeficiency, congenital alopecia, and nail dystrophy due to FOXN1 deficiency based on the ACMG/AMP criteria applied: PVS1, PM2_supporting, and PP4 as specified by the ClinGen SCID VCEP FOXN1 subgroup.

Labcorp Genetics (formerly Invitae), Labcorp
Classification: Pathogenic for T-cell immunodeficiency, congenital alopecia, and nail dystrophy. Last evaluated: 2022-10-07. Review status: criteria provided, single submitter. Criteria: Invitae Variant Classification Sherloc (09022015). Collection method: clinical testing. Allele origin: germline. Not counted in ClinVar's aggregate classification.
Comment: For these reasons, this variant has been classified as Pathogenic. Algorithms developed to predict the effect of sequence changes on RNA splicing suggest that this variant may disrupt the consensus splice site. ClinVar contains an entry for this variant (Variation ID: 827574). This premature translational stop signal has been observed in individual(s) with autosomal recessive severe combined immunodeficiency (PMID: 31566583). This variant is not present in population databases (gnomAD no frequency). This sequence change creates a premature translational stop signal (p.Asp313Thrfs*169) in the FOXN1 gene. It is expected to result in an absent or disrupted protein product. Loss-of-function variants in FOXN1 are known to be pathogenic (PMID: 10206641, 15180707, 31447097).

OMIM
Classification: Pathogenic for T-CELL IMMUNODEFICIENCY WITH THYMIC APLASIA (1 patient). Last evaluated: 2020-11-11. Review status: no assertion criteria provided. Collection method: literature only. Allele origin: germline. Not counted in ClinVar's aggregate classification.

van Oers lab, UT Southwestern Medical Center
Classification: Pathogenic for T-cell immunodeficiency, congenital alopecia, and nail dystrophy. Last evaluated: 2020-04-20. Review status: no assertion criteria provided. Collection method: clinical testing, in vivo. Allele origin: maternal. Affected: yes. Not counted in ClinVar's aggregate classification.
Comment: Pt. T-B+NK+ with normal hair and nails, developed viral infections

Literature cited by the submitters: PubMed 31566583 (cited by Labcorp Genetics (formerly Invitae), Labcorp and OMIM); PubMed 10206641 (cited by Labcorp Genetics (formerly Invitae), Labcorp); PubMed 15180707 (cited by Labcorp Genetics (formerly Invitae), Labcorp); PubMed 31447097 (cited by Labcorp Genetics (formerly Invitae), Labcorp); PMC 6819092 (cited by van Oers lab, UT Southwestern Medical Center).